The following is an entry in ClinVar:

ClinVar aggregate classification (germline): Benign (1 of 4 stars; one submission).

Conditions:
Leigh syndrome (NULS). Also called: Leigh's necrotizing encephalopathy; Leigh's disease; Leigh Syndrome (mtDNA deletion); Leigh Disease; Subacute necrotizing encephalopathy; Necrotizing encephalopathy infantile subacute of Leigh. Identifiers: Orphanet 506, MedGen C2931891, MONDO:0009723, OMIM 256000.

Submission:

Wong Mito Lab, Molecular and Human Genetics, Baylor College of Medicine
Classification: Benign for Leigh syndrome. Last evaluated: 2019-10-17. Review status: criteria provided, single submitter. Criteria: Modified ACMG Guidelines (Unpublished). Collection method: clinical testing. Allele origin: germline.
Comment: The NC_012920.1:m.9080A>G (YP_003024031.1:p.Asn185Ser) variant in MTATP6 gene is interpretated to be a Benign variant based on the modified ACMG guidelines (unpublished). This variant meets the following evidence codes: BS1, BS2, BP4

NC_012920.1(MT-ATP6):m.9080A>G

Gene: MT-ATP6 (mitochondrially encoded ATP synthase 6; plus strand).
Variant type: single nucleotide variant.
Genome position: chrM-9080-A-G.
Identifiers: ClinVar variation 693079 (VCV000693079.1), dbSNP rs1556423607, ClinGen allele CA414802145.